The following is an entry in ClinVar:

NM_005045.4(RELN):c.5009T>C (p.Met1670Thr)

Gene: RELN (reelin; minus strand). Cytogenetic location: 7q22.1.
Variant type: single nucleotide variant.
Coding change: c.5009T>C on transcript NM_005045.4 (MANE Select); coding-DNA position 5009, T replaced by C.
Protein change: p.Met1670Thr; replaces methionine 1670 with threonine.
Molecular consequence: missense variant.
Genome position (GRCh38, 1-based): chr7:103,565,479, A>G on the plus strand (T>C on the coding strand, the complement: RELN is on the minus strand). VCF-style: chr7-103565479-A-G. GRCh37 (hg19) VCF-style: chr7-103205926-A-G.
Other names: c.5009T>C, p.Met1670Thr (NM_173054.3); short protein forms M1670T.
Identifiers: ClinVar variation 4794162 (VCV004794162.1).

ClinVar aggregate classification (germline): Uncertain significance (1 of 4 stars; one submission).

Conditions:
Norman-Roberts syndrome (LIS2). Also called: Lissencephaly 2 (Norman-Roberts type). Identifiers: Orphanet 89844, MedGen C0796089, MONDO:0009760, OMIM 257320.
Familial temporal lobe epilepsy 7. Identifiers: Orphanet 101046, MedGen C4225327, MONDO:0014639, OMIM 616436.

Submission:

Labcorp Genetics (formerly Invitae), Labcorp
Classification: Uncertain significance for Familial temporal lobe epilepsy 7; Norman-Roberts syndrome. Last evaluated: 2026-01-26. Review status: criteria provided, single submitter. Criteria: Invitae Variant Classification Sherloc (09022015). Collection method: clinical testing. Allele origin: germline.
Comment: This sequence change replaces methionine, which is neutral and non-polar, with threonine, which is neutral and polar, at codon 1670 of the RELN protein (p.Met1670Thr). This variant is not present in population databases (gnomAD no frequency). This variant has not been reported in the literature in individuals affected with RELN-related conditions. Invitae Evidence Modeling of protein sequence and biophysical properties (such as structural, functional, and spatial information, amino acid conservation, physicochemical variation, residue mobility, and thermodynamic stability) indicates that this missense variant is not expected to disrupt RELN protein function with a negative predictive value of 80%. In summary, the available evidence is currently insufficient to determine the role of this variant in disease. Therefore, it has been classified as a Variant of Uncertain Significance.